The following is an entry in ClinVar:

NM_000093.5(COL5A1):c.2893C>A (p.Pro965Thr)

Gene: COL5A1 (collagen type V alpha 1 chain; plus strand). Cytogenetic location: 9q34.3.
Variant type: single nucleotide variant.
Coding change: c.2893C>A on transcript NM_000093.5 (MANE Select); coding-DNA position 2893, C replaced by A.
Protein change: p.Pro965Thr; replaces proline 965 with threonine.
Molecular consequence: missense variant.
Genome position (GRCh38, 1-based): chr9:134,796,896, C>A. VCF-style: chr9-134796896-C-A. GRCh37 (hg19) VCF-style: chr9-137688742-C-A.
Other names: c.2893C>A, p.Pro965Thr (NM_001278074.1); short protein forms P965T.
Identifiers: ClinVar variation 4005440 (VCV004005440.2).

ClinVar aggregate classification (germline): Uncertain significance (1 of 4 stars; one submission).

Conditions:
Familial thoracic aortic aneurysm and aortic dissection (TAAD). Also called: Thoracic aortic aneurysms and dissections. Identifiers: Orphanet 91387, MedGen C4707243, MONDO:0019625.

gnomAD v4.1: 1 of 1,613,940 alleles (0.000062%); highest among the groups gnomAD compares: African/African-American, 0.0013%; no homozygotes.

Submission:

Ambry Genetics
Classification: Uncertain significance for Familial thoracic aortic aneurysm and aortic dissection. Last evaluated: 2026-02-17. Review status: criteria provided, single submitter. Criteria: Ambry Variant Classification Scheme 2023. Collection method: clinical testing. Allele origin: germline.
Comment: The c.2893C>A (p.P965T) alteration is located in exon 36 (coding exon 36) of the COL5A1 gene. This alteration results from a C to A substitution at nucleotide position 2893, causing the proline (P) at amino acid position 965 to be replaced by a threonine (T). Based on data from gnomAD, the A allele has an overall frequency of <0.001% (1/250830) total alleles studied. The highest observed frequency was 0.006% (1/16212) of African alleles. Based on insufficient or conflicting evidence, the clinical significance of this alteration remains unclear.